The following is an entry in ClinVar:

NM_001005373.4(LRSAM1):c.2046+32C>T

Gene: LRSAM1 (leucine rich repeat and sterile alpha motif containing 1; plus strand). Cytogenetic location: 9q34.11.
Variant type: single nucleotide variant.
Coding change: c.2046+32C>T on transcript NM_001005373.4 (MANE Select); 32 bases into the intron after coding-DNA position 2046, C replaced by T.
Molecular consequence: intron variant.
Genome position (GRCh38, 1-based): chr9:127,501,175, C>T. VCF-style: chr9-127501175-C-T. GRCh37 (hg19) VCF-style: chr9-130263454-C-T.
Other names: c.2046+32C>T (NM_138361.5, NM_001384142.1, NM_001005374.4); c.1947+32C>T (NM_001384143.1); c.1965+32C>T (NM_001190723.3); c.1257+32C>T (NM_001384144.1).
Identifiers: ClinVar variation 675699 (VCV000675699.2), dbSNP rs7019372, ClinGen allele CA5247246.

ClinVar aggregate classification (germline): Benign. Review status: criteria provided, multiple submitters, no conflicts (2 of 4 stars). 2 submissions from 2 submitters: Benign (2). Last evaluated 2018-06-16.

Allele frequency attached by ClinVar (database versions not stated): gnomAD exomes 0.00191 and 0.00506; ExAC 0.00648; gnomAD 0.02033 and 0.02179; ESP Exome Variant Server 0.02230; TOPMed 0.02292; 1000 Genomes Project 0.02316; 1000 Genomes Project 30x 0.02592.
gnomAD v4.1: 5,968 of 1,608,446 alleles (0.37%); highest among the groups gnomAD compares: African/African-American, 7%; 203 homozygotes.

Submissions (2):

GeneDx
Classification: Benign. Last evaluated: 2018-06-16. Review status: criteria provided, single submitter. Criteria: GeneDx Variant Classification (06012015). Collection method: clinical testing. Allele origin: germline. Affected: yes.
Comment: This variant is considered likely benign or benign based on one or more of the following criteria: it is a conservative change, it occurs at a poorly conserved position in the protein, it is predicted to be benign by multiple in silico algorithms, and/or has population frequency not consistent with disease.

Breakthrough Genomics
Classification: Benign. Review status: criteria provided, single submitter. Criteria: ACMG Guidelines, 2015. Collection method: not provided. Allele origin: germline. Inheritance: Autosomal dominant inheritance. Affected: yes.